The following is an entry in ClinVar:

NM_001040108.2(MLH3):c.52G>T (p.Ala18Ser)

Gene: MLH3 (mutL homolog 3; minus strand). Cytogenetic location: 14q24.3.
Variant type: single nucleotide variant.
Coding change: c.52G>T on transcript NM_001040108.2 (MANE Select); coding-DNA position 52, G replaced by T.
Protein change: p.Ala18Ser; replaces alanine 18 with serine.
Molecular consequence: missense variant.
Genome position (GRCh38, 1-based): chr14:75,049,604, C>A on the plus strand (G>T on the coding strand, the complement: MLH3 is on the minus strand). VCF-style: chr14-75049604-C-A. GRCh37 (hg19) VCF-style: chr14-75516307-C-A.
Other names: c.52G>T, p.Ala18Ser (NM_014381.3); short protein forms A18S.
Identifiers: ClinVar variation 2563575 (VCV002563575.2), dbSNP rs2139614677, ClinGen allele CA390451844.

ClinVar aggregate classification (germline): Uncertain significance (1 of 4 stars; one submission).

Submission:

Ambry Genetics
Classification: Uncertain significance. Last evaluated: 2023-05-30. Review status: criteria provided, single submitter. Criteria: Ambry Variant Classification Scheme 2023. Collection method: clinical testing. Allele origin: germline.
Comment: The p.A18S variant (also known as c.52G>T), located in coding exon 1 of the MLH3 gene, results from a G to T substitution at nucleotide position 52. The alanine at codon 18 is replaced by serine, an amino acid with similar properties. This amino acid position is conserved. In addition, the in silico prediction for this alteration is inconclusive. Since supporting evidence is limited at this time, the clinical significance of this alteration remains unclear.